The following is an entry in ClinVar:

ClinVar aggregate classification (germline): Uncertain significance (1 of 4 stars; one submission).

Conditions:
Cardiovascular phenotype. Identifiers: MedGen CN230736.

gnomAD v4.1: 2 of 1,613,790 alleles (0.00012%); highest among the groups gnomAD compares: South Asian, 0.0022%; no homozygotes.

Submission:

Ambry Genetics
Classification: Uncertain significance for Cardiovascular phenotype. Last evaluated: 2025-05-08. Review status: criteria provided, single submitter. Criteria: Ambry Variant Classification Scheme 2023. Collection method: clinical testing. Allele origin: germline.
Comment: The p.L284S variant (also known as c.851T>C), located in coding exon 7 of the AKAP9 gene, results from a T to C substitution at nucleotide position 851. The leucine at codon 284 is replaced by serine, an amino acid with dissimilar properties. This amino acid position is conserved. In addition, the in silico prediction for this alteration is inconclusive. Based on the available evidence, the clinical significance of this variant remains unclear.

NM_005751.5(AKAP9):c.851T>C (p.Leu284Ser)

Gene: AKAP9 (A-kinase anchoring protein 9; plus strand). Cytogenetic location: 7q21.2.
Variant type: single nucleotide variant.
Coding change: c.851T>C on transcript NM_005751.5 (MANE Select); coding-DNA position 851, T replaced by C.
Protein change: p.Leu284Ser; replaces leucine 284 with serine.
Molecular consequence: missense variant.
Genome position (GRCh38, 1-based): chr7:91,995,721, T>C. VCF-style: chr7-91995721-T-C. GRCh37 (hg19) VCF-style: chr7-91625035-T-C.
Other names: c.851T>C, p.Leu284Ser (NM_147185.3); short protein forms L284S.
Identifiers: ClinVar variation 4034003 (VCV004034003.1).